The following is an entry in ClinVar:

ClinVar aggregate classification (germline): Uncertain significance (1 of 4 stars; one submission).

Allele frequency attached by ClinVar (database versions not stated): gnomAD exomes 0.00001.
gnomAD v4.1: 11 of 1,550,924 alleles (0.00071%); highest among the groups gnomAD compares: Non-Finnish European, 0.00096%; no homozygotes.

Submission:

Labcorp Genetics (formerly Invitae), Labcorp
Classification: Uncertain significance. Last evaluated: 2022-04-01. Review status: criteria provided, single submitter. Criteria: Invitae Variant Classification Sherloc (09022015). Collection method: clinical testing. Allele origin: germline.
Comment: In summary, the available evidence is currently insufficient to determine the role of this variant in disease. Therefore, it has been classified as a Variant of Uncertain Significance. Advanced modeling of protein sequence and biophysical properties (such as structural, functional, and spatial information, amino acid conservation, physicochemical variation, residue mobility, and thermodynamic stability) performed at Invitae indicates that this missense variant is expected to disrupt NOTCH3 protein function. This variant has not been reported in the literature in individuals affected with NOTCH3-related conditions. This variant is not present in population databases (gnomAD no frequency). This sequence change replaces tyrosine, which is neutral and polar, with cysteine, which is neutral and slightly polar, at codon 916 of the NOTCH3 protein (p.Tyr916Cys).

NM_000435.3(NOTCH3):c.2747A>G (p.Tyr916Cys)

Gene: NOTCH3 (notch receptor 3; minus strand). Cytogenetic location: 19p13.12.
Variant type: single nucleotide variant.
Coding change: c.2747A>G on transcript NM_000435.3 (MANE Select); coding-DNA position 2747, A replaced by G.
Protein change: p.Tyr916Cys; replaces tyrosine 916 with cysteine.
Molecular consequence: missense variant.
Genome position (GRCh38, 1-based): chr19:15,181,621, T>C on the plus strand (A>G on the coding strand, the complement: NOTCH3 is on the minus strand). VCF-style: chr19-15181621-T-C. GRCh37 (hg19) VCF-style: chr19-15292432-T-C.
Other names: short protein forms Y916C.
Identifiers: ClinVar variation 2196164 (VCV002196164.4), dbSNP rs2145423944, ClinGen allele CA404516917.